The following is an entry in ClinVar:

NM_012120.3(CD2AP):c.715A>G (p.Lys239Glu)

Gene: CD2AP (CD2 associated protein; plus strand). Cytogenetic location: 6p12.3.
Variant type: single nucleotide variant.
Coding change: c.715A>G on transcript NM_012120.3 (MANE Select); coding-DNA position 715, A replaced by G.
Protein change: p.Lys239Glu; replaces lysine 239 with glutamic acid.
Molecular consequence: missense variant.
Genome position (GRCh38, 1-based): chr6:47,574,237, A>G. VCF-style: chr6-47574237-A-G. GRCh37 (hg19) VCF-style: chr6-47541973-A-G.
Other names: short protein forms K239E.
Identifiers: ClinVar variation 2628767 (VCV002628767.4), dbSNP rs1388283601, ClinGen allele CA363942329.

ClinVar aggregate classification (germline): Uncertain significance. Review status: criteria provided, multiple submitters, no conflicts (2 of 4 stars). 2 submissions from 2 submitters: Uncertain significance (2). Last evaluated 2023-10-20.

Conditions:
CD2AP-related disorder. Also called: CD2AP-related condition.

Allele frequency attached by ClinVar (database versions not stated): gnomAD 0.00001; gnomAD exomes 0.00001; TOPMed 0.00001.
gnomAD v4.1: 5 of 1,613,742 alleles (0.00031%); highest among the groups gnomAD compares: Non-Finnish European, 0.00042%; no homozygotes.

Submissions (2):

Labcorp Genetics (formerly Invitae), Labcorp
Classification: Uncertain significance. Last evaluated: 2023-10-20. Review status: criteria provided, single submitter. Criteria: Invitae Variant Classification Sherloc (09022015). Collection method: clinical testing. Allele origin: germline.
Comment: This sequence change replaces lysine, which is basic and polar, with glutamic acid, which is acidic and polar, at codon 239 of the CD2AP protein (p.Lys239Glu). This variant is present in population databases (no rsID available, gnomAD 0.0009%). This variant has not been reported in the literature in individuals affected with CD2AP-related conditions. Advanced modeling of protein sequence and biophysical properties (such as structural, functional, and spatial information, amino acid conservation, physicochemical variation, residue mobility, and thermodynamic stability) performed at Invitae indicates that this missense variant is not expected to disrupt CD2AP protein function. In summary, the available evidence is currently insufficient to determine the role of this variant in disease. Therefore, it has been classified as a Variant of Uncertain Significance.

PreventionGenetics, part of Exact Sciences
Classification: Uncertain significance for CD2AP-related condition. Last evaluated: 2023-03-20. Review status: criteria provided, single submitter. Criteria: ACMG Guidelines, 2015. Collection method: clinical testing. Allele origin: germline.
Comment: The CD2AP c.715A>G variant is predicted to result in the amino acid substitution p.Lys239Glu. To our knowledge, this variant has not been reported in the literature. This variant is reported in 0.00088% of alleles in individuals of European (Non-Finnish) descent in gnomAD. At this time, the clinical significance of this variant is uncertain due to the absence of conclusive functional and genetic evidence.